The following is an entry in ClinVar:

NM_001127222.2(CACNA1A):c.1619T>G (p.Leu540Arg)

Gene: CACNA1A (calcium voltage-gated channel subunit alpha1 A; minus strand). Cytogenetic location: 19p13.13.
Variant type: single nucleotide variant.
Coding change: c.1619T>G on transcript NM_001127222.2 (MANE Select); coding-DNA position 1619, T replaced by G.
Protein change: p.Leu540Arg; replaces leucine 540 with arginine.
Molecular consequence: missense variant.
Genome position (GRCh38, 1-based): chr19:13,312,718, A>C on the plus strand (T>G on the coding strand, the complement: CACNA1A is on the minus strand). VCF-style: chr19-13312718-A-C. GRCh37 (hg19) VCF-style: chr19-13423532-A-C.
Other names: c.1622T>G, p.Leu541Arg (NM_000068.4, NM_001127221.2, NM_001174080.2 and 1 more transcripts); short protein forms L540R, L541R.
Identifiers: ClinVar variation 2580785 (VCV002580785.1), dbSNP rs2512966825, ClinGen allele CA404345383.

ClinVar aggregate classification (germline): Uncertain significance (1 of 4 stars; one submission).

Submission:

GeneDx
Classification: Uncertain significance. Last evaluated: 2023-03-21. Review status: criteria provided, single submitter. Criteria: GeneDx Variant Classification Process June 2021. Collection method: clinical testing. Allele origin: germline. Affected: yes.
Comment: Not observed at significant frequency in large population cohorts (gnomAD); In silico analysis supports that this missense variant has a deleterious effect on protein structure/function; Has not been previously published as pathogenic or benign to our knowledge